The following is an entry in ClinVar:

ClinVar aggregate classification (germline): Uncertain significance. Review status: criteria provided, multiple submitters, no conflicts (2 of 4 stars). 3 submissions from 3 submitters: Uncertain significance (3). Last evaluated 2026-05-28.

Conditions:
Hyperkalemic periodic paralysis. Also called: Familial hyperkalemic periodic paralysis; Gamstorp disease. Identifiers: Orphanet 682, MedGen C0238357, MONDO:0008224, OMIM 170500, HP:0007215.

Allele frequency attached by ClinVar (database versions not stated): gnomAD below 0.00001; TOPMed below 0.00001.
gnomAD v4.1: 12 of 1,613,668 alleles (0.00074%); highest among the groups gnomAD compares: South Asian, 0.011%; no homozygotes.

Submissions (3):

GeneDx
Classification: Uncertain significance. Last evaluated: 2026-05-28. Review status: criteria provided, single submitter. Criteria: GeneDx Variant Classification Process June 2021. Collection method: clinical testing. Allele origin: germline.
Comment: Not observed at significant frequency in large population cohorts (gnomAD); In silico analysis supports that this missense variant has a deleterious effect on protein structure/function; Has not been previously published as pathogenic or benign to our knowledge

Athena Diagnostics
Classification: Uncertain significance. Last evaluated: 2025-08-15. Review status: criteria provided, single submitter. Criteria: Athena Diagnostics Criteria. Collection method: clinical testing. Allele origin: unknown.
Comment: Available data are insufficient to determine the clinical significance of the variant at this time. The frequency of this variant in the general population is uninformative in assessment of its pathogenicity. Polyphen and MutationTaster predict this amino acid change may be damaging to the protein.

Labcorp Genetics (formerly Invitae), Labcorp
Classification: Uncertain significance for Hyperkalemic periodic paralysis. Last evaluated: 2021-06-16. Review status: criteria provided, single submitter. Criteria: Invitae Variant Classification Sherloc (09022015). Collection method: clinical testing. Allele origin: germline.
Comment: In summary, the available evidence is currently insufficient to determine the role of this variant in disease. Therefore, it has been classified as a Variant of Uncertain Significance. This sequence change replaces threonine with isoleucine at codon 1684 of the SCN4A protein (p.Thr1684Ile). The threonine residue is highly conserved and there is a moderate physicochemical difference between threonine and isoleucine. This variant is present in population databases (rs541964442, ExAC 0.01%). This variant has not been reported in the literature in individuals with SCN4A-related conditions. ClinVar contains an entry for this variant (Variation ID: 805396). Algorithms developed to predict the effect of missense changes on protein structure and function (SIFT, PolyPhen-2, Align-GVGD) all suggest that this variant is likely to be disruptive, but these predictions have not been confirmed by published functional studies and their clinical significance is uncertain.

NM_000334.4(SCN4A):c.5051C>T (p.Thr1684Ile)

Genes: GH-LCR (growth hormone locus control region; plus strand), SCN4A (sodium voltage-gated channel alpha subunit 4; minus strand). Cytogenetic location: 17q23.3.
Variant type: single nucleotide variant.
Coding change: c.5051C>T on transcript NM_000334.4 (MANE Select); coding-DNA position 5051, C replaced by T.
Protein change: p.Thr1684Ile; replaces threonine 1684 with isoleucine.
Molecular consequence: missense variant.
Genome position (GRCh38, 1-based): chr17:63,941,231, G>A on the plus strand (C>T on the coding strand, the complement: SCN4A is on the minus strand). VCF-style: chr17-63941231-G-A. GRCh37 (hg19) VCF-style: chr17-62018591-G-A.
Other names: short protein forms T1684I.
Identifiers: ClinVar variation 805396 (VCV000805396.19), dbSNP rs541964442, ClinGen allele CA8708846.